The following is an entry in ClinVar:

NM_001126108.2(SLC12A3):c.2683A>T (p.Ile895Phe)

Gene: SLC12A3 (solute carrier family 12 member 3; plus strand). Cytogenetic location: 16q13.
Variant type: single nucleotide variant.
Coding change: c.2683A>T on transcript NM_001126108.2 (MANE Select); coding-DNA position 2683, A replaced by T.
Protein change: p.Ile895Phe; replaces isoleucine 895 with phenylalanine.
Molecular consequence: missense variant.
Genome position (GRCh38, 1-based): chr16:56,899,579, A>T. VCF-style: chr16-56899579-A-T. GRCh37 (hg19) VCF-style: chr16-56933491-A-T.
Other names: c.2710A>T, p.Ile904Phe (NM_000339.3); c.2707A>T, p.Ile903Phe (NM_001126107.2); c.2680A>T, p.Ile894Phe (NM_001410896.1); short protein forms I894F, I895F, I903F, I904F.
Identifiers: ClinVar variation 4818209 (VCV004818209.1).

ClinVar aggregate classification (germline): Likely pathogenic (1 of 4 stars; one submission).

Conditions:
Familial hypokalemia-hypomagnesemia (GTLMNS). Also called: POTASSIUM AND MAGNESIUM DEPLETION; HYPOMAGNESEMIA-HYPOKALEMIA, PRIMARY RENOTUBULAR, WITH HYPOCALCIURIA; gitelman syndrome. Identifiers: Orphanet 358, MedGen C0268450, MONDO:0009904, OMIM 263800.

gnomAD v4.1: 4 of 1,614,158 alleles (0.00025%); highest among the groups gnomAD compares: Non-Finnish European, 0.00034%; no homozygotes.

Submission:

Natera, Inc.
Classification: Likely pathogenic for Gitelman syndrome. Last evaluated: 2024-04-24. Review status: criteria provided, single submitter. Criteria: Natera Variant Classification Schema (03/2026). Collection method: clinical testing. Allele origin: germline.
Comment: The c.2710A>T variant in SLC12A3 is a missense variant predicted to cause substitution of isoleucine to phenylalanine at amino acid 904. This variant is rare in the general population with a frequency below the threshold expected for the associated phenotype(s). This variant has been observed in one or more individuals affected with the associated recessive disease, as either homozygous or compound heterozygous with a second variant (PMID: 21415153, 33964006). Computational prediction algorithms indicate this variant is likely to affect gene or protein function. Given the available evidence, this variant is classified as Likely Pathogenic.

Literature cited by the submitters: PubMed 21415153; PubMed 33964006.